The following is an entry in ClinVar:

NM_001166108.2(PALLD):c.3214G>A (p.Asp1072Asn)

Genes: CBR4 (carbonyl reductase 4; minus strand), PALLD (palladin, cytoskeletal associated protein; plus strand). Cytogenetic location: 4q32.3.
Variant type: single nucleotide variant.
Coding change: c.3214G>A on transcript NM_001166108.2 (MANE Select); coding-DNA position 3214, G replaced by A.
Protein change: p.Asp1072Asn; replaces aspartic acid 1072 with asparagine.
Molecular consequence: missense variant.
Genome position (GRCh38, 1-based): chr4:168,924,410, G>A. VCF-style: chr4-168924410-G-A. GRCh37 (hg19) VCF-style: chr4-169845561-G-A.
Other names: c.2017G>A, p.Asp673Asn (NM_001166109.2); c.1702G>A, p.Asp568Asn (NM_001166110.2); c.1042G>A, p.Asp348Asn (NM_001367567.1, NM_001367569.1); c.1093G>A, p.Asp365Asn (NM_001367568.1, NM_001367570.1); c.3163G>A, p.Asp1055Asn (NM_016081.4); short protein forms D1072N, D348N, D673N, D365N, D1055N, D568N.
Identifiers: ClinVar variation 2496988 (VCV002496988.3), dbSNP rs2534253547, ClinGen allele CA358713054.

ClinVar aggregate classification (germline): Uncertain significance. Review status: criteria provided, multiple submitters, no conflicts (2 of 4 stars). 2 submissions from 2 submitters: Uncertain significance (2). Last evaluated 2022-12-27.

Conditions:
PALLD-related disorder. Also called: PALLD-related condition.

Allele frequency attached by ClinVar (database versions not stated): gnomAD exomes below 0.00001.
gnomAD v4.1: 4 of 1,613,546 alleles (0.00025%); highest among the groups gnomAD compares: South Asian, 0.0011%; no homozygotes.

Submissions (2):

Ambry Genetics
Classification: Uncertain significance. Last evaluated: 2022-12-27. Review status: criteria provided, single submitter. Criteria: Ambry Variant Classification Scheme 2023. Collection method: clinical testing. Allele origin: germline.
Comment: The p.D1055N variant (also known as c.3163G>A), located in coding exon 17 of the PALLD gene, results from a G to A substitution at nucleotide position 3163. The aspartic acid at codon 1055 is replaced by asparagine, an amino acid with highly similar properties. This amino acid position is conserved. In addition, this alteration is predicted to be tolerated by in silico analysis. Since supporting evidence is limited at this time, the clinical significance of this alteration remains unclear.

PreventionGenetics, part of Exact Sciences
Classification: Uncertain significance for PALLD-related condition. Last evaluated: 2022-10-10. Review status: criteria provided, single submitter. Criteria: ACMG Guidelines, 2015. Collection method: clinical testing. Allele origin: germline.
Comment: The PALLD c.3163G>A variant is predicted to result in the amino acid substitution p.Asp1055Asn. To our knowledge, this variant has not been reported in the literature or in a large population database, indicating this variant is rare. At this time, the clinical significance of this variant is uncertain due to the absence of conclusive functional and genetic evidence.